The following is an entry in ClinVar:

ClinVar aggregate classification (germline): Uncertain significance. Review status: criteria provided, multiple submitters, no conflicts (2 of 4 stars). 2 submissions from 2 submitters: Uncertain significance (2). Last evaluated 2023-06-03.

Conditions:
Hereditary cancer-predisposing syndrome. Also called: Hereditary neoplastic syndrome; Neoplastic Syndromes, Hereditary; Tumor predisposition; Hereditary Cancer Syndrome. Identifiers: Orphanet 140162, MedGen C0027672, MeSH D009386, MONDO:0015356.
DICER1-related tumor predisposition. Also called: DICER1 syndrome; DICER1-related pleuropulmonary blastoma cancer predisposition syndrome. Identifiers: Orphanet 284343, MedGen C3839822, MONDO:0100216.

Submissions (2):

Ambry Genetics
Classification: Uncertain significance for Hereditary cancer-predisposing syndrome. Last evaluated: 2023-06-03. Review status: criteria provided, single submitter. Criteria: Ambry Variant Classification Scheme 2023. Collection method: clinical testing. Allele origin: germline.
Comment: The p.F572Y variant (also known as c.1715T>A), located in coding exon 9 of the DICER1 gene, results from a T to A substitution at nucleotide position 1715. The phenylalanine at codon 572 is replaced by tyrosine, an amino acid with highly similar properties. This amino acid position is conserved. In addition, the in silico prediction for this alteration is inconclusive. Since supporting evidence is limited at this time, the clinical significance of this alteration remains unclear.

Labcorp Genetics (formerly Invitae), Labcorp
Classification: Uncertain significance for DICER1-related tumor predisposition. Last evaluated: 2020-08-16. Review status: criteria provided, single submitter. Criteria: Invitae Variant Classification Sherloc (09022015). Collection method: clinical testing. Allele origin: germline.
Comment: Algorithms developed to predict the effect of missense changes on protein structure and function are either unavailable or do not agree on the potential impact of this missense change (SIFT: "Tolerated"; PolyPhen-2: "Probably Damaging"; Align-GVGD: "Class C0"). In summary, the available evidence is currently insufficient to determine the role of this variant in disease. Therefore, it has been classified as a Variant of Uncertain Significance. This variant has not been reported in the literature in individuals with DICER1-related conditions. This variant is not present in population databases (ExAC no frequency). This sequence change replaces phenylalanine with tyrosine at codon 572 of the DICER1 protein (p.Phe572Tyr). The phenylalanine residue is highly conserved and there is a small physicochemical difference between phenylalanine and tyrosine.

NM_177438.3(DICER1):c.1715T>A (p.Phe572Tyr)

Gene: DICER1 (dicer 1, ribonuclease III; minus strand). Cytogenetic location: 14q32.13.
Variant type: single nucleotide variant.
Coding change: c.1715T>A on transcript NM_177438.3 (MANE Select); coding-DNA position 1715, T replaced by A.
Protein change: p.Phe572Tyr; replaces phenylalanine 572 with tyrosine.
Molecular consequence: missense variant.
Genome position (GRCh38, 1-based): chr14:95,116,490, A>T on the plus strand (T>A on the coding strand, the complement: DICER1 is on the minus strand). VCF-style: chr14-95116490-A-T. GRCh37 (hg19) VCF-style: chr14-95582827-A-T.
Other names: c.1715T>A, p.Phe572Tyr (NM_001195573.1, NM_001271282.3, NM_001291628.2 and 1 more transcripts); c.1715T>A (NM_177438.2); short protein forms F572Y.
Identifiers: ClinVar variation 1019408 (VCV001019408.11), dbSNP rs1892480663, ClinGen allele CA390884728.